The following is an entry in ClinVar:

NM_000260.4(MYO7A):c.83_84del (p.Val28fs)

Gene: MYO7A (myosin VIIA; plus strand). Cytogenetic location: 11q13.5.
Variant type: Deletion.
Coding change: c.83_84del on transcript NM_000260.4 (MANE Select); coding-DNA positions 83 to 84, 2 bases deleted (TG; older notation c.83_84delTG).
Protein change: p.Val28fs; shifts the reading frame from valine 28.
Molecular consequence: frameshift variant.
Genome position (GRCh38, 1-based): chr11:77,142,773-77,142,774, TG deleted; deleting any 2 consecutive bases within chr11:77,142,772-77,142,774 gives the same sequence; the c. name uses the placement nearest the transcript's 3' end. VCF-style (leftmost placement, unchanged base first): chr11-77142771-GGT-G. GRCh37 (hg19) VCF-style: chr11-76853817-GGT-G.
Other names: c.83_84del, p.Val28fs (NM_001127180.2); c.50_51del, p.Val17fs (NM_001369365.1); short protein forms V17fs, V28fs.
Identifiers: ClinVar variation 1724243 (VCV001724243.2), dbSNP rs2496489271, ClinGen allele CA2580084900.

ClinVar aggregate classification (germline): Likely pathogenic (1 of 4 stars; one submission).

Conditions:
Usher syndrome type 1 (USH1). Also called: RETINITIS PIGMENTOSA AND CONGENITAL DEAFNESS. Identifiers: Orphanet 231169, Orphanet 886, MedGen C1568247, MONDO:0010168, OMIM 276900.

Submission:

Myriad Genetics, Inc.
Classification: Likely pathogenic for Usher syndrome type 1. Last evaluated: 2022-02-02. Review status: criteria provided, single submitter. Criteria: Myriad Women's Health Autosomal Recessive and X-Linked Classification Criteria (2021). Collection method: clinical testing. Allele origin: unknown.
Comment: NM_000260.3(MYO7A):c.83_84delTG(V28Efs*13) is expected to be pathogenic in the context of MYO7A-related disorders. This variant is predicted to lead to an abnormal or absent protein product due to the creation of a premature termination codon in MYO7A, a gene where loss-of-function variants are known to be pathogenic. Please note: this variant was assessed in the context of healthy population screening.